The following is an entry in ClinVar:

ClinVar aggregate classification (germline): Uncertain significance (1 of 4 stars; one submission).

Allele frequency attached by ClinVar (database versions not stated): TOPMed below 0.00001; gnomAD 0.00001; gnomAD exomes 0.00001 and 0.00002.
gnomAD v4.1: 28 of 1,612,954 alleles (0.0017%); highest among the groups gnomAD compares: Non-Finnish European, 0.0022%; no homozygotes.

Submission:

Labcorp Genetics (formerly Invitae), Labcorp
Classification: Uncertain significance. Last evaluated: 2021-02-08. Review status: criteria provided, single submitter. Criteria: Invitae Variant Classification Sherloc (09022015). Collection method: clinical testing. Allele origin: germline.
Comment: In summary, the available evidence is currently insufficient to determine the role of this variant in disease. Therefore, it has been classified as a Variant of Uncertain Significance. Algorithms developed to predict the effect of sequence changes on RNA splicing suggest that this variant may disrupt the consensus splice site, but this prediction has not been confirmed by published transcriptional studies. This variant has not been reported in the literature in individuals with CLCC1-related conditions. This variant is not present in population databases (ExAC no frequency). This sequence change affects a donor splice site in intron 7 of the CLCC1 gene. It is expected to disrupt RNA splicing. Variants that disrupt the donor or acceptor splice site typically lead to a loss of protein function (PMID: 16199547), however the current clinical and genetic evidence is not sufficient to establish whether loss-of-function variants in CLCC1 cause disease.

Literature cited by the submitters: PubMed 16199547.

NM_001377458.1(CLCC1):c.796+1G>A

Gene: CLCC1 (chloride channel CLIC like 1; minus strand). Cytogenetic location: 1p13.3.
Variant type: single nucleotide variant.
Coding change: c.796+1G>A on transcript NM_001377458.1 (MANE Select); the canonical splice donor site of the intron after coding-DNA position 796, G replaced by A.
Molecular consequence: splice donor variant. On other transcripts: intron variant (1).
Genome position (GRCh38, 1-based): chr1:108,941,404, C>T on the plus strand (G>A on the coding strand, the complement: CLCC1 is on the minus strand). VCF-style: chr1-108941404-C-T. GRCh37 (hg19) VCF-style: chr1-109484026-C-T.
Other names: c.796+1G>A (NM_001377464.1, NM_001377462.1, NM_001377467.1 and 8 more transcripts); c.694+1G>A (NM_001377469.1); c.646+1G>A (NM_015127.5); c.505+1G>A (NM_001377470.1); c.433+1G>A (NM_001278202.2); c.340-1622G>A (NM_001278203.1).
Identifiers: ClinVar variation 1369209 (VCV001369209.8), dbSNP rs1314154738, ClinGen allele CA341461212.